The following is an entry in ClinVar:

ClinVar aggregate classification (germline): Uncertain significance (1 of 4 stars; one submission).

Conditions:
COG1 congenital disorder of glycosylation (CDG2G). Also called: CDG IIg; CDGII/COG1 CEREBROCOSTOMANDIBULAR-LIKE SYNDROME; CONGENITAL DISORDER OF GLYCOSYLATION, TYPE IIg. Identifiers: Orphanet 263508, MedGen C2931011, MONDO:0012637, OMIM 611209.

Allele frequency attached by ClinVar (database versions not stated): gnomAD exomes below 0.00001 and 0.00001; gnomAD 0.00001; TOPMed 0.00001.

Submission:

Labcorp Genetics (formerly Invitae), Labcorp
Classification: Uncertain significance for COG1 congenital disorder of glycosylation. Last evaluated: 2022-06-22. Review status: criteria provided, single submitter. Criteria: Invitae Variant Classification Sherloc (09022015). Collection method: clinical testing. Allele origin: germline.
Comment: In summary, the available evidence is currently insufficient to determine the role of this variant in disease. Therefore, it has been classified as a Variant of Uncertain Significance. Algorithms developed to predict the effect of missense changes on protein structure and function (SIFT, PolyPhen-2, Align-GVGD) all suggest that this variant is likely to be tolerated. This variant has not been reported in the literature in individuals affected with COG1-related conditions. This variant is present in population databases (no rsID available, gnomAD 0.003%). This sequence change replaces valine, which is neutral and non-polar, with methionine, which is neutral and non-polar, at codon 679 of the COG1 protein (p.Val679Met).

NM_018714.3(COG1):c.2035G>A (p.Val679Met)

Gene: COG1 (component of oligomeric golgi complex 1; plus strand). Cytogenetic location: 17q25.1.
Variant type: single nucleotide variant.
Coding change: c.2035G>A on transcript NM_018714.3 (MANE Select); coding-DNA position 2035, G replaced by A.
Protein change: p.Val679Met; replaces valine 679 with methionine.
Molecular consequence: missense variant.
Genome position (GRCh38, 1-based): chr17:73,201,862, G>A. VCF-style: chr17-73201862-G-A. GRCh37 (hg19) VCF-style: chr17-71198001-G-A.
Other names: short protein forms V679M.
Identifiers: ClinVar variation 1492171 (VCV001492171.8), dbSNP rs1229728305, ClinGen allele CA400894036.
Genomic context (GRCh38, chr17:73,201,862, plus strand): 5'-GAAATCATTCCTACACAGGCCAAGTGGCAAGAGGTTAAAGAAGTACTCCTCCAGCAGAGC[G>A]TGATGGGCTACCAGGTCTGGAGCAGTGCAGTTGTGAAAGTGAGTGATGTAATTTCTTATC-3'
Protein context (NP_061184.1, residues 669-689): EVKEVLLQQS[Val679Met]MGYQVWSSAV